The following is an entry in ClinVar:

ClinVar aggregate classification (germline): Uncertain significance. Review status: criteria provided, multiple submitters, no conflicts (2 of 4 stars). 2 submissions from 2 submitters: Uncertain significance (2). Last evaluated 2025-11-08.

Allele frequency attached by ClinVar (database versions not stated): ExAC 0.00001; gnomAD 0.00003; gnomAD exomes below 0.00001; TOPMed 0.00009.
gnomAD v4.1: 7 of 1,614,102 alleles (0.00043%); highest among the groups gnomAD compares: Admixed American, 0.0067%; no homozygotes.

Submissions (2):

Labcorp Genetics (formerly Invitae), Labcorp
Classification: Uncertain significance. Last evaluated: 2025-11-08. Review status: criteria provided, single submitter. Criteria: Invitae Variant Classification Sherloc (09022015). Collection method: clinical testing. Allele origin: germline.
Comment: This sequence change replaces glycine, which is neutral and non-polar, with aspartic acid, which is acidic and polar, at codon 731 of the IMPG1 protein (p.Gly731Asp). This variant is present in population databases (rs764316926, gnomAD 0.006%). This variant has not been reported in the literature in individuals affected with IMPG1-related conditions. ClinVar contains an entry for this variant (Variation ID: 946971). An algorithm developed to predict the effect of missense changes on protein structure and function (PolyPhen-2) suggests that this variant is likely to be tolerated. In summary, the available evidence is currently insufficient to determine the role of this variant in disease. Therefore, it has been classified as a Variant of Uncertain Significance.

Ambry Genetics
Classification: Uncertain significance. Last evaluated: 2025-08-10. Review status: criteria provided, single submitter. Criteria: Ambry Variant Classification Scheme 2023. Collection method: clinical testing. Allele origin: germline.

NM_001563.4(IMPG1):c.2192G>A (p.Gly731Asp)

Gene: IMPG1 (interphotoreceptor matrix proteoglycan 1; minus strand). Cytogenetic location: 6q14.1.
Variant type: single nucleotide variant.
Coding change: c.2192G>A on transcript NM_001563.4 (MANE Select); coding-DNA position 2192, G replaced by A.
Protein change: p.Gly731Asp; replaces glycine 731 with aspartic acid.
Molecular consequence: missense variant.
Genome position (GRCh38, 1-based): chr6:75,931,004, C>T on the plus strand (G>A on the coding strand, the complement: IMPG1 is on the minus strand). VCF-style: chr6-75931004-C-T. GRCh37 (hg19) VCF-style: chr6-76640721-C-T.
Other names: c.1958G>A, p.Gly653Asp (NM_001282368.2); c.2192G>A (NM_001563.2); short protein forms G653D, G731D.
Identifiers: ClinVar variation 946971 (VCV000946971.9), dbSNP rs764316926, ClinGen allele CA3897905.